The following is an entry in ClinVar:

NM_015896.4(ZMYND10):c.815G>A (p.Ser272Asn)

Gene: ZMYND10 (zinc finger MYND-type containing 10; minus strand). Cytogenetic location: 3p21.31.
Variant type: single nucleotide variant.
Coding change: c.815G>A on transcript NM_015896.4 (MANE Select); coding-DNA position 815, G replaced by A.
Protein change: p.Ser272Asn; replaces serine 272 with asparagine.
Molecular consequence: missense variant.
Genome position (GRCh38, 1-based): chr3:50,342,455, C>T on the plus strand (G>A on the coding strand, the complement: ZMYND10 is on the minus strand). VCF-style: chr3-50342455-C-T. GRCh37 (hg19) VCF-style: chr3-50379886-C-T.
Other names: c.800G>A, p.Ser267Asn (NM_001308379.2); short protein forms S272N, S267N.
Identifiers: ClinVar variation 661352 (VCV000661352.6), dbSNP rs1376562082, ClinGen allele CA352939450.
Genomic context (GRCh38, chr3:50,342,455, plus strand): 5'-ACCTTGAGTAGCCGTCCCTTGGCAAAACTTGTGAGGCAGTAGCGCGCCTGAGCCTCAGGG[C>T]TTAGCAGCAGGTTGTACAGGGCGATCCACACTTGCCCGTCCAACTTGCTCAGCTTTTGCT-3'
Protein context (NP_056980.2, residues 262-282): VWIALYNLLL[Ser272Asn]PEAQARYCLT

ClinVar aggregate classification (germline): Uncertain significance (1 of 4 stars; one submission).

Conditions:
Primary ciliary dyskinesia. Also called: Ciliary dyskinesia. Identifiers: Orphanet 244, MedGen C0008780, MONDO:0016575, HP:0012265.

Allele frequency attached by ClinVar (database versions not stated): gnomAD exomes below 0.00001.

Submission:

Labcorp Genetics (formerly Invitae), Labcorp
Classification: Uncertain significance for Primary ciliary dyskinesia. Last evaluated: 2018-08-20. Review status: criteria provided, single submitter. Criteria: Invitae Variant Classification Sherloc (09022015). Collection method: clinical testing. Allele origin: germline.
Comment: Algorithms developed to predict the effect of missense changes on protein structure and function output the following: SIFT: "Tolerated"; PolyPhen-2: "Benign"; Align-GVGD: "Class C0". The asparagine amino acid residue is found in multiple mammalian species, suggesting that this missense change does not adversely affect protein function. These predictions have not been confirmed by published functional studies and their clinical significance is uncertain. In summary, the available evidence is currently insufficient to determine the role of this variant in disease. Therefore, it has been classified as a Variant of Uncertain Significance. This variant is not present in population databases (ExAC no frequency). This sequence change replaces serine with asparagine at codon 272 of the ZMYND10 protein (p.Ser272Asn). The serine residue is moderately conserved and there is a small physicochemical difference between serine and asparagine. This variant has not been reported in the literature in individuals with ZMYND10-related disease.